The following is an entry in ClinVar:

ClinVar aggregate classification (germline): Conflicting classifications of pathogenicity. Review status: criteria provided, conflicting classifications (1 of 4 stars). 2 submissions from 2 submitters: Uncertain significance (1); Likely benign (1). Last evaluated 2024-02-23.

Conditions:
Inborn genetic diseases. Identifiers: MedGen C0950123, MeSH D030342.

Allele frequency attached by ClinVar (database versions not stated): gnomAD 0.00001; ExAC 0.00002; gnomAD exomes 0.00002; TOPMed 0.00002; 1000 Genomes Project 30x 0.00016; 1000 Genomes Project 0.00020.
gnomAD v4.1: 27 of 1,613,876 alleles (0.0017%); highest among the groups gnomAD compares: South Asian, 0.015%; no homozygotes.

Submissions (2):

Labcorp Genetics (formerly Invitae), Labcorp
Classification: Uncertain significance. Last evaluated: 2024-02-23. Review status: criteria provided, single submitter. Criteria: Invitae Variant Classification Sherloc (09022015). Collection method: clinical testing. Allele origin: germline.
Comment: This sequence change replaces arginine, which is basic and polar, with glutamine, which is neutral and polar, at codon 613 of the CAPN5 protein (p.Arg613Gln). This variant is present in population databases (rs199509115, gnomAD 0.02%). This variant has not been reported in the literature in individuals affected with CAPN5-related conditions. ClinVar contains an entry for this variant (Variation ID: 1002656). Algorithms developed to predict the effect of missense changes on protein structure and function output the following: SIFT: "Not Available"; PolyPhen-2: "Benign"; Align-GVGD: "Not Available". The glutamine amino acid residue is found in multiple mammalian species, which suggests that this missense change does not adversely affect protein function. In summary, the available evidence is currently insufficient to determine the role of this variant in disease. Therefore, it has been classified as a Variant of Uncertain Significance.

Ambry Genetics
Classification: Likely benign for Inborn genetic diseases. Last evaluated: 2022-08-31. Review status: criteria provided, single submitter. Criteria: Ambry Variant Classification Scheme 2023. Collection method: clinical testing. Allele origin: germline.

NM_004055.5(CAPN5):c.1838G>A (p.Arg613Gln)

Gene: CAPN5 (calpain 5; plus strand). Cytogenetic location: 11q13.5.
Variant type: single nucleotide variant.
Coding change: c.1838G>A on transcript NM_004055.5 (MANE Select); coding-DNA position 1838, G replaced by A.
Protein change: p.Arg613Gln; replaces arginine 613 with glutamine.
Molecular consequence: missense variant.
Genome position (GRCh38, 1-based): chr11:77,123,785, G>A. VCF-style: chr11-77123785-G-A. GRCh37 (hg19) VCF-style: chr11-76834831-G-A.
Other names: c.1838G>A (NM_004055.4); short protein forms R613Q.
Identifiers: ClinVar variation 1002656 (VCV001002656.10), dbSNP rs199509115, ClinGen allele CA6196932.